The following is an entry in ClinVar:

NM_173628.4(DNAH17):c.13062C>T (p.Val4354=)

Gene: DNAH17 (dynein axonemal heavy chain 17; minus strand). Cytogenetic location: 17q25.3.
Variant type: single nucleotide variant.
Coding change: c.13062C>T on transcript NM_173628.4 (MANE Select); coding-DNA position 13062, C replaced by T.
Protein change: p.Val4354=; no amino-acid change (valine 4354 retained).
Molecular consequence: synonymous variant.
Genome position (GRCh38, 1-based): chr17:78,425,425, G>A on the plus strand (C>T on the coding strand, the complement: DNAH17 is on the minus strand). VCF-style: chr17-78425425-G-A. GRCh37 (hg19) VCF-style: chr17-76421506-G-A.
Other names: c.13062C>T (NM_173628.3).
Identifiers: ClinVar variation 3389352 (VCV003389352.15).

ClinVar aggregate classification (germline): Likely benign. Review status: criteria provided, multiple submitters, no conflicts (2 of 4 stars). 2 submissions from 2 submitters: Likely benign (2). Last evaluated 2025-08-13.

Conditions:
DNAH17-related disorder. Also called: DNAH17-related condition.

gnomAD v4.1: 73 of 1,613,910 alleles (0.0045%); highest among the groups gnomAD compares: East Asian, 0.13%; no homozygotes.

Submissions (2):

PreventionGenetics, part of Exact Sciences
Classification: Likely benign for DNAH17-related condition. Last evaluated: 2025-08-13. Review status: criteria provided, single submitter. Criteria: ACMG Guidelines, 2015. Collection method: clinical testing. Allele origin: germline.
Comment: This variant is classified as likely benign based on ACMG/AMP sequence variant interpretation guidelines (Richards et al. 2015 PMID: 25741868, with internal and published modifications).

CeGaT Center for Human Genetics Tuebingen
Classification: Likely benign. Last evaluated: 2024-10-01. Review status: criteria provided, single submitter. Criteria: CeGaT Center For Human Genetics Tuebingen Variant Classification Criteria Version 2. Collection method: clinical testing. Allele origin: germline. Affected: yes. Observed: 1 variant allele.
Comment: DNAH17: BP4, BP7